The following is an entry in ClinVar:

NM_213720.3(CHCHD10):c.104C>A (p.Ala35Asp)

Gene: CHCHD10 (coiled-coil-helix-coiled-coil-helix domain containing 10; minus strand). Cytogenetic location: 22q11.23.
Variant type: single nucleotide variant.
Coding change: c.104C>A on transcript NM_213720.3 (MANE Select); coding-DNA position 104, C replaced by A.
Protein change: p.Ala35Asp; replaces alanine 35 with aspartic acid.
Molecular consequence: missense variant. On other transcripts: non-coding transcript variant (1).
Genome position (GRCh38, 1-based): chr22:23,767,531, G>T on the plus strand (C>A on the coding strand, the complement: CHCHD10 is on the minus strand). VCF-style: chr22-23767531-G-T. GRCh37 (hg19) VCF-style: chr22-24109718-G-T.
Other names: c.104C>A, p.Ala35Asp (NM_001301339.2); short protein forms A35D.
Identifiers: ClinVar variation 3759599 (VCV003759599.2).

ClinVar aggregate classification (germline): Uncertain significance (1 of 4 stars; one submission).

Conditions:
Lower motor neuron syndrome with late-adult onset (SMAJ). Also called: Late-Onset Spinal Motor Neuronopathy (SMAJ); Spinal muscular atrophy, Jokela type. Identifiers: Orphanet 276435, MedGen C3554398, MONDO:0014025, OMIM 615048.
Autosomal dominant mitochondrial myopathy with exercise intolerance (IMMD). Also called: Myopathy, isolated mitochondrial, autosomal dominant. Identifiers: Orphanet 457050, MedGen C4015513, MONDO:0014532, OMIM 616209.
Frontotemporal dementia and/or amyotrophic lateral sclerosis 2. Also called: FTDALS2. Identifiers: Orphanet 275872, MedGen C4014648, MONDO:0014395, OMIM 615911.

gnomAD v4.1: 8 of 1,455,558 alleles (0.00055%); highest among the groups gnomAD compares: East Asian, 0.0029%; no homozygotes.

Submission:

Labcorp Genetics (formerly Invitae), Labcorp
Classification: Uncertain significance for Lower motor neuron syndrome with late-adult onset; Frontotemporal dementia and/or amyotrophic lateral sclerosis 2; Autosomal dominant mitochondrial myopathy with exercise intolerance. Last evaluated: 2024-11-13. Review status: criteria provided, single submitter. Criteria: Invitae Variant Classification Sherloc (09022015). Collection method: clinical testing. Allele origin: germline.
Comment: This sequence change replaces alanine, which is neutral and non-polar, with aspartic acid, which is acidic and polar, at codon 35 of the CHCHD10 protein (p.Ala35Asp). This variant is present in population databases (no rsID available, gnomAD 0.004%). This missense change has been observed in individual(s) with neurodegenerative disease (PMID: 25833818, 27578015). Experimental studies and prediction algorithms are not available or were not evaluated, and the functional significance of this variant is currently unknown. In summary, the available evidence is currently insufficient to determine the role of this variant in disease. Therefore, it has been classified as a Variant of Uncertain Significance.

Literature cited by the submitters: PubMed 25833818; PubMed 27578015.